The following is an entry in ClinVar:

NM_020745.4(AARS2):c.872C>T (p.Pro291Leu)

Gene: AARS2 (alanyl-tRNA synthetase 2, mitochondrial; minus strand). Cytogenetic location: 6p21.1.
Variant type: single nucleotide variant.
Coding change: c.872C>T on transcript NM_020745.4 (MANE Select); coding-DNA position 872, C replaced by T.
Protein change: p.Pro291Leu; replaces proline 291 with leucine.
Molecular consequence: missense variant.
Genome position (GRCh38, 1-based): chr6:44,310,321, G>A on the plus strand (C>T on the coding strand, the complement: AARS2 is on the minus strand). VCF-style: chr6-44310321-G-A. GRCh37 (hg19) VCF-style: chr6-44278058-G-A.
Other names: short protein forms P291L.
Identifiers: ClinVar variation 357078 (VCV000357078.9), dbSNP rs199985183, ClinGen allele CA3834538.

ClinVar aggregate classification (germline): Uncertain significance. Review status: criteria provided, multiple submitters, no conflicts (2 of 4 stars). 2 submissions from 2 submitters: Uncertain significance (2). Last evaluated 2023-08-04.

Conditions:
Combined oxidative phosphorylation defect type 8. Also called: CARDIOMYOPATHY, HYPERTROPHIC MITOCHONDRIAL, FATAL INFANTILE. Identifiers: Orphanet 319504, MedGen C4518839, MONDO:0013570, OMIM 614096.

Allele frequency attached by ClinVar (database versions not stated): gnomAD 0.00001; gnomAD exomes 0.00001 and 0.00003; TOPMed 0.00001; ExAC 0.00006; 1000 Genomes Project 30x 0.00016; 1000 Genomes Project 0.00020.
gnomAD v4.1: 20 of 1,607,558 alleles (0.0012%); highest among the groups gnomAD compares: East Asian, 0.034%; no homozygotes.

Submissions (2):

Labcorp Genetics (formerly Invitae), Labcorp
Classification: Uncertain significance. Last evaluated: 2023-08-04. Review status: criteria provided, single submitter. Criteria: Invitae Variant Classification Sherloc (09022015). Collection method: clinical testing. Allele origin: germline.
Comment: This variant has not been reported in the literature in individuals affected with AARS2-related conditions. In summary, the available evidence is currently insufficient to determine the role of this variant in disease. Therefore, it has been classified as a Variant of Uncertain Significance. Advanced modeling of protein sequence and biophysical properties (such as structural, functional, and spatial information, amino acid conservation, physicochemical variation, residue mobility, and thermodynamic stability) has been performed at Invitae for this missense variant, however the output from this modeling did not meet the statistical confidence thresholds required to predict the impact of this variant on AARS2 protein function. ClinVar contains an entry for this variant (Variation ID: 357078). This variant is present in population databases (rs199985183, gnomAD 0.04%). This sequence change replaces proline, which is neutral and non-polar, with leucine, which is neutral and non-polar, at codon 291 of the AARS2 protein (p.Pro291Leu).

Illumina Laboratory Services, Illumina
Classification: Uncertain significance for Combined oxidative phosphorylation defect type 8. Last evaluated: 2018-01-13. Review status: criteria provided, single submitter. Criteria: ICSL Variant Classification Criteria 13 December 2019. Collection method: clinical testing. Allele origin: germline.